The following is an entry in ClinVar:

ClinVar aggregate classification (germline): Uncertain significance. Review status: criteria provided, multiple submitters, no conflicts (2 of 4 stars). 2 submissions from 2 submitters: Uncertain significance (2). Last evaluated 2023-02-06.

Conditions:
Inborn genetic diseases. Identifiers: MedGen C0950123, MeSH D030342.

Allele frequency attached by ClinVar (database versions not stated): gnomAD exomes 0.00001 and 0.00002; ExAC 0.00002; TOPMed 0.00002; gnomAD 0.00003 and 0.00004.

Submissions (2):

Ambry Genetics
Classification: Uncertain significance for Inborn genetic diseases. Last evaluated: 2023-02-06. Review status: criteria provided, single submitter. Criteria: Ambry Variant Classification Scheme 2023. Collection method: clinical testing. Allele origin: germline.

Labcorp Genetics (formerly Invitae), Labcorp
Classification: Uncertain significance. Last evaluated: 2020-10-14. Review status: criteria provided, single submitter. Criteria: Invitae Variant Classification Sherloc (09022015). Collection method: clinical testing. Allele origin: germline.
Comment: This sequence change replaces valine with methionine at codon 143 of the CUL7 protein (p.Val143Met). The valine residue is highly conserved and there is a small physicochemical difference between valine and methionine. This variant is present in population databases (rs745425209, ExAC 0.02%). This variant has not been reported in the literature in individuals with CUL7-related conditions. Algorithms developed to predict the effect of missense changes on protein structure and function are either unavailable or do not agree on the potential impact of this missense change (SIFT: "Deleterious"; PolyPhen-2: "Probably Damaging"; Align-GVGD: "Class C0"). In summary, the available evidence is currently insufficient to determine the role of this variant in disease. Therefore, it has been classified as a Variant of Uncertain Significance.

NM_014780.5(CUL7):c.427G>A (p.Val143Met)

Gene: CUL7 (cullin 7; minus strand). Cytogenetic location: 6p21.1.
Variant type: single nucleotide variant.
Coding change: c.427G>A on transcript NM_014780.5 (MANE Select); coding-DNA position 427, G replaced by A.
Protein change: p.Val143Met; replaces valine 143 with methionine.
Molecular consequence: missense variant.
Genome position (GRCh38, 1-based): chr6:43,052,362, C>T on the plus strand (G>A on the coding strand, the complement: CUL7 is on the minus strand). VCF-style: chr6-43052362-C-T. GRCh37 (hg19) VCF-style: chr6-43020100-C-T.
Other names: c.427G>A, p.Val143Met (NM_001168370.2, NM_001374872.1, NM_001374873.1 and 1 more transcripts); c.427G>A (NM_014780.4); short protein forms V143M.
Identifiers: ClinVar variation 1051146 (VCV001051146.9), dbSNP rs745425209, ClinGen allele CA3814397.
Genomic context (GRCh38, chr6:43,052,362, plus strand): 5'-GGACCCTTGGGTCCTTGAATACTCCAGTGAGGGGCTCAATGCTGGCATAGGCGCTGAGCA[C>T]GTGGACAGTGTGAAGTAGAGGAGCAGGAGGGATAGTGCCCACACACTCCTCCAGCTGCCG-3'
Protein context (NP_055595.2, residues 133-153): PPAPLLHTVH[Val143Met]LSAYASIEPL